The following is an entry in ClinVar:

ClinVar aggregate classification (germline): Conflicting classifications of pathogenicity. Review status: criteria provided, conflicting classifications (1 of 4 stars). 4 submissions from 4 submitters: Uncertain significance (3); Likely benign (1). Last evaluated 2023-03-17.

Conditions:
Heterotopia, periventricular, X-linked dominant (PVNH1). Also called: PERIVENTRICULAR NODULAR HETEROTOPIA 4; HETEROTOPIA, PERIVENTRICULAR, 1; X-linked periventricular heterotopia; PERIVENTRICULAR NODULAR HETEROTOPIA 1. Identifiers: Orphanet 2149, Orphanet 82004, MedGen C1848213, MONDO:0010233, OMIM 300049.
Oto-palato-digital syndrome, type II (OPD2). Also called: Otopalatodigital Syndrome, Type II; Otopalatodigital Syndrome Type 2 (FLNA-OPD2); FACIOPALATOOSSEOUS SYNDROME; OPD II SYNDROME. Identifiers: Orphanet 669, Orphanet 90652, MedGen C1844696, MONDO:0010571, OMIM 304120.
Frontometaphyseal dysplasia (FMD1). Identifiers: Orphanet 1826, MedGen C0265293, MONDO:0015942.
Melnick-Needles syndrome (MNS). Also called: Melnick-Needles Syndrome (FLNA-MNS); MELNICK-NEEDLES OSTEODYSPLASTY; OSTEODYSPLASTY OF MELNICK AND NEEDLES. Identifiers: Orphanet 2484, MedGen C0025237, MONDO:0010650, OMIM 309350.
Familial thoracic aortic aneurysm and aortic dissection (TAAD). Also called: Thoracic aortic aneurysms and dissections. Identifiers: Orphanet 91387, MedGen C4707243, MONDO:0019625.
Cardiac valvular dysplasia, X-linked (CVDPX). Also called: VALVULAR HEART DISEASE, CONGENITAL; Congenital valvular dysplasia; Isolated X-Linked Cardiac Valvular Dysplasia; MYXOMATOUS VALVULAR DYSTROPHY, X-LINKED; FLNA-Related X-linked Cardiac Valvular Dysplasia. Identifiers: Orphanet 1864, Orphanet 555877, Orphanet 75497, MedGen C0262436, MONDO:0010753, OMIM 314400.

Allele frequency attached by ClinVar (database versions not stated): gnomAD 0.00001; TOPMed 0.00002.
gnomAD v4.1: 5 of 1,209,243 alleles (0.00041%); highest among the groups gnomAD compares: Non-Finnish European, 0.00056%; no homozygotes.

Submissions (4):

Blueprint Genetics
Classification: Uncertain significance. Last evaluated: 2023-03-17. Review status: criteria provided, single submitter. Criteria: ACMG Guidelines, 2015. Collection method: clinical testing. Allele origin: germline.

Labcorp Genetics (formerly Invitae), Labcorp
Classification: Likely benign for Oto-palato-digital syndrome, type II; Heterotopia, periventricular, X-linked dominant; Frontometaphyseal dysplasia; Melnick-Needles syndrome. Last evaluated: 2022-08-09. Review status: criteria provided, single submitter. Criteria: Invitae Variant Classification Sherloc (09022015). Collection method: clinical testing. Allele origin: germline.

Ambry Genetics
Classification: Uncertain significance for Familial thoracic aortic aneurysm and aortic dissection. Last evaluated: 2020-10-15. Review status: criteria provided, single submitter. Criteria: Ambry Variant Classification Scheme 2023. Collection method: clinical testing. Allele origin: germline.
Comment: The p.R1296C variant (also known as c.3886C>T), located in coding exon 22 of the FLNA gene, results from a C to T substitution at nucleotide position 3886. The arginine at codon 1296 is replaced by cysteine, an amino acid with highly dissimilar properties. Based on data from gnomAD, the T allele has an overall frequency of 0.0004% (1/202472) total alleles studied, with 0 hemizygote(s) observed. The highest observed frequency was 0.0010% (1/91303) of European (non-Finnish) alleles. This amino acid position is not well conserved in available vertebrate species, and cysteine is the reference amino acid in other vertebrate species. In addition, this alteration is predicted to be tolerated by in silico analysis. Since supporting evidence is limited at this time, the clinical significance of this alteration remains unclear.

Baylor Genetics
Classification: Uncertain significance for Cardiac valvular dysplasia, X-linked. Last evaluated: 2018-06-15. Review status: criteria provided, single submitter. Criteria: ACMG Guidelines, 2015. Collection method: clinical testing. Allele origin: maternal. Affected: yes.
Comment: This variant was determined to be of uncertain significance according to ACMG Guidelines, 2015 [PMID:25741868].

NM_001110556.2(FLNA):c.3886C>T (p.Arg1296Cys)

Gene: FLNA (filamin A; minus strand). Cytogenetic location: Xq28.
Variant type: single nucleotide variant.
Coding change: c.3886C>T on transcript NM_001110556.2 (MANE Select); coding-DNA position 3886, C replaced by T.
Protein change: p.Arg1296Cys; replaces arginine 1296 with cysteine.
Molecular consequence: missense variant.
Genome position (GRCh38, 1-based): chrX:154,359,825, G>A on the plus strand (C>T on the coding strand, the complement: FLNA is on the minus strand). VCF-style: chrX-154359825-G-A. GRCh37 (hg19) VCF-style: chrX-153588193-G-A.
Other names: c.3886C>T, p.Arg1296Cys (NM_001456.4); short protein forms R1296C.
Identifiers: ClinVar variation 1033845 (VCV001033845.10), dbSNP rs781816229, ClinGen allele CA415222104.